The following is an entry in ClinVar:

ClinVar aggregate classification (germline): Uncertain significance (1 of 4 stars; one submission).

Conditions:
Jeune thoracic dystrophy. Also called: Short-rib thoracic dysplasia; Jeune syndrome; Infantile thoracic dystrophy; Thoracic pelvic phalangeal dystrophy; Jeune's syndrome; Chondroectodermal dysplasia-like syndrome. Identifiers: Orphanet 474, MedGen C0265275, MONDO:0018770.

gnomAD v4.1: 10 of 1,613,170 alleles (0.00062%); highest among the groups gnomAD compares: Non-Finnish European, 0.00085%; no homozygotes.

Submission:

Labcorp Genetics (formerly Invitae), Labcorp
Classification: Uncertain significance for Jeune thoracic dystrophy. Last evaluated: 2023-02-17. Review status: criteria provided, single submitter. Criteria: Invitae Variant Classification Sherloc (09022015). Collection method: clinical testing. Allele origin: germline.
Comment: This sequence change replaces alanine, which is neutral and non-polar, with serine, which is neutral and polar, at codon 2320 of the DYNC2H1 protein (p.Ala2320Ser). This variant is not present in population databases (gnomAD no frequency). This variant has not been reported in the literature in individuals affected with DYNC2H1-related conditions. Advanced modeling of protein sequence and biophysical properties (such as structural, functional, and spatial information, amino acid conservation, physicochemical variation, residue mobility, and thermodynamic stability) performed at Invitae indicates that this missense variant is not expected to disrupt DYNC2H1 protein function. Algorithms developed to predict the effect of sequence changes on RNA splicing suggest that this variant may create or strengthen a splice site. In summary, the available evidence is currently insufficient to determine the role of this variant in disease. Therefore, it has been classified as a Variant of Uncertain Significance.

NM_001377.3(DYNC2H1):c.6958G>T (p.Ala2320Ser)

Gene: DYNC2H1 (dynein cytoplasmic 2 heavy chain 1; plus strand). Cytogenetic location: 11q22.3.
Variant type: single nucleotide variant.
Coding change: c.6958G>T on transcript NM_001377.3 (MANE Select); coding-DNA position 6958, G replaced by T.
Protein change: p.Ala2320Ser; replaces alanine 2320 with serine.
Molecular consequence: missense variant.
Genome position (GRCh38, 1-based): chr11:103,187,404, G>T. VCF-style: chr11-103187404-G-T. GRCh37 (hg19) VCF-style: chr11-103058133-G-T.
Other names: c.6958G>T, p.Ala2320Ser (NM_001080463.2); short protein forms A2320S.
Identifiers: ClinVar variation 2087626 (VCV002087626.4), dbSNP rs755381286, ClinGen allele CA382251635.